The following is an entry in ClinVar:

ClinVar aggregate classification (germline): Uncertain significance (1 of 4 stars; one submission).

Submission:

Ambry Genetics
Classification: Uncertain significance. Last evaluated: 2025-12-24. Review status: criteria provided, single submitter. Criteria: Ambry Variant Classification Scheme 2023. Collection method: clinical testing. Allele origin: germline.
Comment: The p.P580L variant (also known as c.1739C>T), located in coding exon 8 of the RNF43 gene, results from a C to T substitution at nucleotide position 1739. The proline at codon 580 is replaced by leucine, an amino acid with similar properties. This amino acid position is conserved. In addition, this alteration is predicted to be tolerated by in silico analysis. Based on the available evidence, the clinical significance of this variant remains unclear.

NM_017763.6(RNF43):c.1739C>T (p.Pro580Leu)

Gene: RNF43 (ring finger protein 43; minus strand). Cytogenetic location: 17q22.
Variant type: single nucleotide variant.
Coding change: c.1739C>T on transcript NM_017763.6 (MANE Select); coding-DNA position 1739, C replaced by T.
Protein change: p.Pro580Leu; replaces proline 580 with leucine.
Molecular consequence: missense variant.
Genome position (GRCh38, 1-based): chr17:58,358,037, G>A on the plus strand (C>T on the coding strand, the complement: RNF43 is on the minus strand). VCF-style: chr17-58358037-G-A. GRCh37 (hg19) VCF-style: chr17-56435398-G-A.
Other names: c.1739C>T, p.Pro580Leu (NM_001305544.3, NM_001438820.1, NM_001438821.1 and 1 more transcripts); c.1358C>T, p.Pro453Leu (NM_001305545.2, NM_001437987.1); short protein forms P580L, P453L.
Identifiers: ClinVar variation 4841967 (VCV004841967.1).